The following is an entry in ClinVar:

NM_004304.5(ALK):c.3744-2A>G

Gene: ALK (ALK receptor tyrosine kinase; minus strand). Cytogenetic location: 2p23.2.
Variant type: single nucleotide variant.
Coding change: c.3744-2A>G on transcript NM_004304.5 (MANE Select); the canonical splice acceptor site of the intron before coding-DNA position 3744, A replaced by G.
Molecular consequence: splice acceptor variant.
Genome position (GRCh38, 1-based): chr2:29,209,880, T>C on the plus strand (A>G on the coding strand, the complement: ALK is on the minus strand). VCF-style: chr2-29209880-T-C. GRCh37 (hg19) VCF-style: chr2-29432746-T-C.
Other names: c.3744-2A>G (NM_004304.4); c.540-2A>G (NM_001353765.2).
Identifiers: ClinVar variation 1345177 (VCV001345177.38), dbSNP rs2148155402, ClinGen allele CA346469892.
Genomic context (GRCh38, chr2:29,209,880, plus strand): 5'-TCTTGGCCACTCTTCCAGGGCCTGGACAGGTCAAGAGGCAGTTTCTGGCAGCAATGTCTC[T>C]GGGAAGAAAGGAAATGCATTTCCTAATTTTATCCCTAGGAAGATGAGTGTACAACGGCCA-3'

ClinVar aggregate classification (germline): Uncertain significance. Review status: criteria provided, multiple submitters, no conflicts (2 of 4 stars). 3 submissions from 3 submitters: Uncertain significance (3). Last evaluated 2025-12-17.

Conditions:
Hereditary cancer-predisposing syndrome. Also called: Hereditary Cancer Syndrome; Tumor predisposition; Neoplastic Syndromes, Hereditary; Hereditary neoplastic syndrome. Identifiers: Orphanet 140162, MedGen C0027672, MeSH D009386, MONDO:0015356.
Neuroblastoma, susceptibility to, 3. Also called: ALK-Related Neuroblastic Tumor Susceptibility. Identifiers: Orphanet 635, MedGen C2751681, MONDO:0013083, OMIM 613014.

Submissions (3):

Labcorp Genetics (formerly Invitae), Labcorp
Classification: Uncertain significance for Neuroblastoma, susceptibility to, 3. Last evaluated: 2025-12-17. Review status: criteria provided, single submitter. Criteria: Invitae Variant Classification Sherloc (09022015). Collection method: clinical testing. Allele origin: germline.
Comment: This sequence change affects an acceptor splice site in intron 24 of the ALK gene. It is expected to disrupt RNA splicing. Variants that disrupt the donor or acceptor splice site typically lead to a loss of protein function (PMID: 16199547), however the current clinical and genetic evidence is not sufficient to establish whether loss-of-function variants in ALK cause disease. This variant is not present in population databases (gnomAD no frequency). This variant has not been reported in the literature in individuals affected with ALK-related conditions. ClinVar contains an entry for this variant (Variation ID: 1345177). Algorithms developed to predict the effect of sequence changes on RNA splicing suggest that this variant may disrupt the consensus splice site. In summary, the available evidence is currently insufficient to determine the role of this variant in disease. Therefore, it has been classified as a Variant of Uncertain Significance.

Ambry Genetics
Classification: Uncertain significance for Hereditary cancer-predisposing syndrome. Last evaluated: 2024-05-15. Review status: criteria provided, single submitter. Criteria: Ambry Variant Classification Scheme 2023. Collection method: clinical testing. Allele origin: germline.
Comment: The c.3744-2A>G intronic variant results from an A to G substitution two nucleotides upstream from coding exon 25 in the ALK gene. This nucleotide position is highly conserved in available vertebrate species. In silico splice site analysis predicts that this alteration will weaken the native splice acceptor site and will result in the creation or strengthening of a novel splice acceptor site. However, loss of function of ALK has not been established as a mechanism of disease. Based on the available evidence, the clinical significance of this alteration remains unclear.

CeGaT Center for Human Genetics Tuebingen
Classification: Uncertain significance. Last evaluated: 2022-08-01. Review status: criteria provided, single submitter. Criteria: CeGaT Center For Human Genetics Tuebingen Variant Classification Criteria Version 2. Collection method: clinical testing. Allele origin: germline. Affected: yes. Observed: 1 variant allele.
Comment: ALK: PM2, PP3

Literature cited by the submitters: PubMed 16199547 (cited by Labcorp Genetics (formerly Invitae), Labcorp).